The following is an entry in ClinVar:

ClinVar aggregate classification (germline): Uncertain significance (1 of 4 stars; one submission).

Allele frequency attached by ClinVar (database versions not stated): TOPMed 0.00010; gnomAD exomes 0.00011; gnomAD 0.00014; ExAC 0.00015; ESP Exome Variant Server 0.00023; 1000 Genomes Project 0.00040; 1000 Genomes Project 30x 0.00047.
gnomAD v4.1: 178 of 1,611,614 alleles (0.011%); highest among the groups gnomAD compares: Middle Eastern, 0.045%; no homozygotes.

Submission:

Labcorp Genetics (formerly Invitae), Labcorp
Classification: Uncertain significance. Last evaluated: 2024-10-16. Review status: criteria provided, single submitter. Criteria: Invitae Variant Classification Sherloc (09022015). Collection method: clinical testing. Allele origin: germline.
Comment: This sequence change replaces proline, which is neutral and non-polar, with alanine, which is neutral and non-polar, at codon 15 of the AIMP2 protein (p.Pro15Ala). This variant is present in population databases (rs145891242, gnomAD 0.02%). This variant has not been reported in the literature in individuals affected with AIMP2-related conditions. ClinVar contains an entry for this variant (Variation ID: 1987935). An algorithm developed to predict the effect of missense changes on protein structure and function (PolyPhen-2) suggests that this variant¬†is likely to be tolerated. In summary, the available evidence is currently insufficient to determine the role of this variant in disease. Therefore, it has been classified as a Variant of Uncertain Significance.

NM_006303.4(AIMP2):c.43C>G (p.Pro15Ala)

Gene: AIMP2 (aminoacyl tRNA synthetase complex interacting multifunctional protein 2; plus strand). Cytogenetic location: 7p22.1.
Variant type: single nucleotide variant.
Coding change: c.43C>G on transcript NM_006303.4 (MANE Select); coding-DNA position 43, C replaced by G.
Protein change: p.Pro15Ala; replaces proline 15 with alanine.
Molecular consequence: missense variant. On other transcripts: 5 prime UTR variant (1), intron variant (3).
Genome position (GRCh38, 1-based): chr7:6,009,406, C>G. VCF-style: chr7-6009406-C-G. GRCh37 (hg19) VCF-style: chr7-6049037-C-G.
Other names: c.43C>G, p.Pro15Ala (NM_001326607.2); c.-278C>G (NM_001326609.2); c.-238+28C>G (NM_001326611.3); c.-251+28C>G (NM_001326610.2); c.15+28C>G (NM_001326606.2); short protein forms P15A.
Identifiers: ClinVar variation 1987935 (VCV001987935.2), dbSNP rs145891242, ClinGen allele CA4150173.
Genomic context (GRCh38, chr7:6,009,406, plus strand): 5'-TTTTGCTTTGGTTCTGCCATGCCGATGTACCAGGTAAAGCCCTATCACGGGGGCGGCGCG[C>G]CTCTCCGTGTGGAGCTTCCCACCTGCATGTACCGGCTCCCCAACGTGCACGGCAGGAGCT-3'
Protein context (NP_006294.2, residues 5-25): QVKPYHGGGA[Pro15Ala]LRVELPTCMY